The following is an entry in ClinVar:

ClinVar aggregate classification (germline): Uncertain significance (1 of 4 stars; one submission).

Allele frequency attached by ClinVar (database versions not stated): 1000 Genomes Project 0.00020; 1000 Genomes Project 30x 0.00031.
gnomAD v4.1: 229 of 1,614,088 alleles (0.014%); highest among the groups gnomAD compares: Non-Finnish European, 0.018%; no homozygotes.

Submission:

Labcorp Genetics (formerly Invitae), Labcorp
Classification: Uncertain significance. Last evaluated: 2021-08-23. Review status: criteria provided, single submitter. Criteria: Invitae Variant Classification Sherloc (09022015). Collection method: clinical testing. Allele origin: germline.
Comment: This sequence change replaces proline with arginine at codon 216 of the RNASET2 protein (p.Pro216Arg). The proline residue is moderately conserved and there is a moderate physicochemical difference between proline and arginine. This variant is present in population databases (rs200901770, ExAC 0.01%). This variant has not been reported in the literature in individuals with RNASET2-related conditions. Algorithms developed to predict the effect of missense changes on protein structure and function are either unavailable or do not agree on the potential impact of this missense change (SIFT: "Tolerated"; PolyPhen-2: "Possibly Damaging"; Align-GVGD: "Class C0"). In summary, the available evidence is currently insufficient to determine the role of this variant in disease. Therefore, it has been classified as a Variant of Uncertain Significance.

NM_003730.6(RNASET2):c.647C>G (p.Pro216Arg)

Gene: RNASET2 (ribonuclease T2; minus strand). Cytogenetic location: 6q27.
Variant type: single nucleotide variant.
Coding change: c.647C>G on transcript NM_003730.6 (MANE Select); coding-DNA position 647, C replaced by G.
Protein change: p.Pro216Arg; replaces proline 216 with arginine.
Molecular consequence: missense variant.
Genome position (GRCh38, 1-based): chr6:166,929,712, G>C on the plus strand (C>G on the coding strand, the complement: RNASET2 is on the minus strand). VCF-style: chr6-166929712-G-C. GRCh37 (hg19) VCF-style: chr6-167343200-G-C.
Other names: short protein forms P216R.
Identifiers: ClinVar variation 1409512 (VCV001409512.3), dbSNP rs200901770, ClinGen allele CA4094830.
Genomic context (GRCh38, chr6:166,929,712, plus strand): 5'-CGGCTCTCGGCGGCCCCATTTGCCAGCCAGACTTCCTGCTTGGGGGACGGCTGCTCCCCC[G>C]GCTCGGTGCAGTTTTGCAGCTGCTGGTCTTGCTTAGTGAGGCACAGTTCTATCTGACCAA-3'
Protein context (NP_003721.2, residues 206-226): QDQQLQNCTE[Pro216Arg]GEQPSPKQEV